The following is an entry in ClinVar:

ClinVar aggregate classification (germline): Likely pathogenic (1 of 4 stars; one submission).

Conditions:
Spondylocarpotarsal synostosis syndrome (SCT). Also called: SPONDYLOCARPOTARSAL SYNDROME; VERTEBRAL FUSION WITH CARPAL COALITION; Spondylocarpotarsal Synostosis Syndrome (FLNB-SCT); Synspondylism congenital; Scoliosis, congenital with unilateral unsegmented bar. Identifiers: Orphanet 3275, MedGen C1848934, MONDO:0010094, OMIM 272460.
Boomerang dysplasia. Identifiers: Orphanet 1263, MedGen C0432201, MONDO:0007208, OMIM 112310.
Atelosteogenesis type I. Also called: SPONDYLOHUMEROFEMORAL HYPOPLASIA; GIANT CELL CHONDRODYSPLASIA; Atelosteogenesis Type 1 (FLNB-AO1). Identifiers: Orphanet 1190, MedGen C0265283, MONDO:0007167, OMIM 108720.
Atelosteogenesis type III. Also called: Atelosteogenesis Type 3 (FLNB-AO3). Identifiers: Orphanet 56305, MedGen C3668942, MONDO:0007168, OMIM 108721.
Larsen syndrome (LRS). Also called: Larsen syndrome (FLNB-LS); Bilateral dislocation of the knees, pes cavus, cylindrically shaped fingers and characteristic facies. Identifiers: Orphanet 503, MedGen C0175778, MONDO:0007875, OMIM 150250. Disease mechanism: loss of function.

Submission:

Juno Genomics, Hangzhou Juno Genomics, Inc
Classification: Likely pathogenic for Atelosteogenesis type I; Atelosteogenesis type III; Boomerang dysplasia; Larsen syndrome; Spondylocarpotarsal synostosis syndrome. Review status: criteria provided, single submitter. Criteria: ACMG Guidelines, 2015. Collection method: clinical testing. Allele origin: germline.
Comment: Null variant in a gene where loss of function (LOF) is a known mechanism of disease.;Absent from controls (or at extremely low frequency if recessive) in Genome Aggregation Database.

NM_001457.4(FLNB):c.487C>T (p.Gln163Ter)

Gene: FLNB (filamin B; plus strand). Cytogenetic location: 3p14.3.
Variant type: single nucleotide variant.
Coding change: c.487C>T on transcript NM_001457.4 (MANE Select); coding-DNA position 487, C replaced by T.
Protein change: p.Gln163Ter; replaces glutamine 163 with a stop codon.
Molecular consequence: nonsense.
Genome position (GRCh38, 1-based): chr3:58,077,240, C>T. VCF-style: chr3-58077240-C-T. GRCh37 (hg19) VCF-style: chr3-58062967-C-T.
Other names: c.487C>T, p.Gln163Ter (NM_001164317.2, NM_001164318.2, NM_001164319.2); short protein forms Q163*.
Identifiers: ClinVar variation 5006673 (VCV005006673.2).
Genomic context (GRCh38, chr3:58,077,240, plus strand): 5'-CAGAGGCTGCTGGGGTGGATTCAGAACAAGATCCCCTACTTGCCCATCACCAACTTTAAC[C>T]AGAACTGGCAAGACGGCAAAGCCCTGGGAGCCCTGGTAGACAGCTGTGCTCCAGGTAAGT-3'